The following is an entry in ClinVar:

ClinVar aggregate classification (germline): Uncertain significance (1 of 4 stars; one submission).

Conditions:
PKD1-related disorder. Also called: PKD1-related condition.

Submission:

PreventionGenetics, part of Exact Sciences
Classification: Uncertain significance for PKD1-related condition. Last evaluated: 2023-08-14. Review status: criteria provided, single submitter. Criteria: ACMG Guidelines, 2015. Collection method: clinical testing. Allele origin: germline.
Comment: The PKD1 c.11099_11101dupGTC variant is predicted to result in an in-frame duplication (p.Arg3700dup). To our knowledge, this variant has not been reported in the literature or in a large population database, indicating this variant is rare. At this time, the clinical significance of this variant is uncertain due to the absence of conclusive functional and genetic evidence.

NM_001009944.3(PKD1):c.11099_11101dup (p.Arg3700_Leu3701insArg)

Genes: PKD1 (polycystin 1, transient receptor potential channel interacting; minus strand), PKD1-AS1 (PKD1 antisense RNA 1; plus strand). Cytogenetic location: 16p13.3.
Variant type: Duplication.
Coding change: c.11099_11101dup on transcript NM_001009944.3 (MANE Select); coding-DNA positions 11099 to 11101, 3 bases duplicated (GTC; older notation c.11099_11101dupGTC).
Protein change: p.Arg3700_Leu3701insArg.
Molecular consequence: inframe insertion. On other transcripts: non-coding transcript variant (1), inframe indel (1).
Genome position (GRCh38, 1-based): chr16:2,093,009-2,093,011, GAC duplicated on the plus strand (GTC on the coding strand, the reverse complement: PKD1 is on the minus strand); duplicating any 3 consecutive bases within chr16:2,093,009-2,093,012 gives the same sequence; the c. name uses the placement nearest the transcript's 3' end. VCF-style (leftmost placement, unchanged base first): chr16-2093008-A-AGAC. GRCh37 (hg19) VCF-style: chr16-2143009-A-AGAC.
Other names: c.11096_11098dup, p.Arg3699_Leu3700insArg (NM_000296.4); c.11099_11101dupGTC (NM_001009944.2).
Identifiers: ClinVar variation 2631708 (VCV002631708.1), dbSNP rs2544638455, ClinGen allele CA2695197388.